The following is an entry in ClinVar:

ClinVar aggregate classification (germline): Likely pathogenic (1 of 4 stars; one submission).

Conditions:
LAMA2-related muscular dystrophy (LAMA2-RD). Also called: Laminin alpha 2-related dystrophy. Identifiers: MedGen C5679788, MONDO:0100228.

Submission:

Labcorp Genetics (formerly Invitae), Labcorp
Classification: Likely pathogenic for LAMA2-related muscular dystrophy. Last evaluated: 2023-07-17. Review status: criteria provided, single submitter. Criteria: Invitae Variant Classification Sherloc (09022015). Collection method: clinical testing. Allele origin: germline.
Comment: In summary, the currently available evidence indicates that the variant is pathogenic, but additional data are needed to prove that conclusively. Therefore, this variant has been classified as Likely Pathogenic. Algorithms developed to predict the effect of sequence changes on RNA splicing suggest that this variant may disrupt the consensus splice site. Disruption of this splice site has been observed in individual(s) with clinical features of congenital muscular dystrophy (PMID: 20207543). This variant is not present in population databases (gnomAD no frequency). This sequence change affects an acceptor splice site in intron 8 of the LAMA2 gene. It is expected to disrupt RNA splicing. Variants that disrupt the donor or acceptor splice site typically lead to a loss of protein function (PMID: 16199547), and loss-of-function variants in LAMA2 are known to be pathogenic (PMID: 18700894, 32904964).

Literature cited by the submitters: PubMed 20207543; PubMed 16199547; PubMed 18700894; PubMed 32904964.

NM_000426.4(LAMA2):c.1207-2A>G

Gene: LAMA2 (laminin subunit alpha 2; plus strand). Cytogenetic location: 6q22.33.
Variant type: single nucleotide variant.
Coding change: c.1207-2A>G on transcript NM_000426.4 (MANE Select); the canonical splice acceptor site of the intron before coding-DNA position 1207, A replaced by G.
Molecular consequence: splice acceptor variant.
Genome position (GRCh38, 1-based): chr6:129,165,574, A>G. VCF-style: chr6-129165574-A-G. GRCh37 (hg19) VCF-style: chr6-129486719-A-G.
Other names: c.1207-2A>G (NM_001079823.2).
Identifiers: ClinVar variation 2744447 (VCV002744447.3), dbSNP rs2482669962, ClinGen allele CA365607160.